The following is an entry in ClinVar:

ClinVar aggregate classification (germline): Uncertain significance. Review status: criteria provided, multiple submitters, no conflicts (2 of 4 stars). 2 submissions from 2 submitters: Uncertain significance (2). Last evaluated 2026-06-24.

Conditions:
Inborn genetic diseases. Identifiers: MedGen C0950123, MeSH D030342.

Allele frequency attached by ClinVar (database versions not stated): gnomAD 0.00001; TOPMed 0.00001; gnomAD exomes below 0.00001.
gnomAD v4.1: 3 of 1,200,998 alleles (0.00025%); highest among the groups gnomAD compares: African/African-American, 0.0053%; no homozygotes.

Submissions (2):

Ambry Genetics
Classification: Uncertain significance for Inborn genetic diseases. Last evaluated: 2026-06-24. Review status: criteria provided, single submitter. Criteria: Ambry Variant Classification Scheme 2023. Collection method: clinical testing. Allele origin: germline.

Labcorp Genetics (formerly Invitae), Labcorp
Classification: Uncertain significance. Last evaluated: 2022-05-04. Review status: criteria provided, single submitter. Criteria: Invitae Variant Classification Sherloc (09022015). Collection method: clinical testing. Allele origin: germline.
Comment: This sequence change replaces lysine, which is basic and polar, with threonine, which is neutral and polar, at codon 222 of the CHM protein (p.Lys222Thr). This variant is not present in population databases (gnomAD no frequency). This variant has not been reported in the literature in individuals affected with CHM-related conditions. Algorithms developed to predict the effect of missense changes on protein structure and function are either unavailable or do not agree on the potential impact of this missense change (SIFT: "Tolerated"; PolyPhen-2: "Probably Damaging"; Align-GVGD: "Class C0"). Algorithms developed to predict the effect of sequence changes on RNA splicing suggest that this variant may create or strengthen a splice site. In summary, the available evidence is currently insufficient to determine the role of this variant in disease. Therefore, it has been classified as a Variant of Uncertain Significance.

NM_000390.4(CHM):c.665A>C (p.Lys222Thr)

Gene: CHM (CHM Rab escort protein; minus strand). Cytogenetic location: Xq21.2.
Variant type: single nucleotide variant.
Coding change: c.665A>C on transcript NM_000390.4 (MANE Select); coding-DNA position 665, A replaced by C.
Protein change: p.Lys222Thr; replaces lysine 222 with threonine.
Molecular consequence: missense variant.
Genome position (GRCh38, 1-based): chrX:85,963,702, T>G on the plus strand (A>C on the coding strand, the complement: CHM is on the minus strand). VCF-style: chrX-85963702-T-G. GRCh37 (hg19) VCF-style: chrX-85218707-T-G.
Other names: c.221A>C, p.Lys74Thr (NM_001320959.1, NM_001362517.1, NM_001362518.2 and 1 more transcripts); short protein forms K74T, K222T.
Identifiers: ClinVar variation 1907228 (VCV001907228.3), dbSNP rs898567327, ClinGen allele CA332655363.